The following is an entry in ClinVar:

ClinVar aggregate classification (germline): Likely benign (0 of 4 stars; one submission).

Conditions:
EPPK1-related disorder. Also called: EPPK1-related condition.

Allele frequency attached by ClinVar (database versions not stated): gnomAD exomes 0.00007; ESP Exome Variant Server 0.00008; TOPMed 0.00008; gnomAD 0.00013; ExAC 0.00014.
gnomAD v4.1: 129 of 1,613,112 alleles (0.008%); highest among the groups gnomAD compares: East Asian, 0.011%; no homozygotes.

Submission:

PreventionGenetics, part of Exact Sciences
Classification: Likely benign for EPPK1-related condition. Last evaluated: 2021-09-03. Review status: no assertion criteria provided. Collection method: clinical testing. Allele origin: germline.
Comment: This variant is classified as likely benign based on ACMG/AMP sequence variant interpretation guidelines (Richards et al. 2015 PMID: 25741868, with internal and published modifications).

NM_031308.4(EPPK1):c.5028C>T (p.His1676=)

Gene: EPPK1 (epiplakin 1; minus strand). Cytogenetic location: 8q24.3.
Variant type: single nucleotide variant.
Coding change: c.5028C>T on transcript NM_031308.4 (MANE Select); coding-DNA position 5028, C replaced by T.
Protein change: p.His1676=; no amino-acid change (histidine 1676 retained).
Molecular consequence: synonymous variant.
Genome position (GRCh38, 1-based): chr8:143,868,226, G>A on the plus strand (C>T on the coding strand, the complement: EPPK1 is on the minus strand). VCF-style: chr8-143868226-G-A. GRCh37 (hg19) VCF-style: chr8-144942394-G-A.
Identifiers: ClinVar variation 3030961 (VCV003030961.2), dbSNP rs371915407, ClinGen allele CA4922291.